The following is an entry in ClinVar:

ClinVar aggregate classification (germline): Likely benign. Review status: criteria provided, multiple submitters, no conflicts (2 of 4 stars). 3 submissions from 3 submitters: Likely benign (2). 1 of the submissions does not count toward it. Last evaluated 2025-03-31.

Conditions:
HEPACAM-related disorder. Also called: HEPACAM-related condition.

Allele frequency attached by ClinVar (database versions not stated): gnomAD exomes 0.00005; ExAC 0.00016; 1000 Genomes Project 0.00040; ESP Exome Variant Server 0.00046; TOPMed 0.00046; 1000 Genomes Project 30x 0.00047; gnomAD 0.00047.

Submissions (3):

Labcorp Genetics (formerly Invitae), Labcorp
Classification: Likely benign. Last evaluated: 2025-03-31. Review status: criteria provided, single submitter. Criteria: Invitae Variant Classification Sherloc (09022015). Collection method: clinical testing. Allele origin: germline.

Blueprint Genetics
Classification: Likely benign. Last evaluated: 2024-11-06. Review status: criteria provided, single submitter. Criteria: ACMG Guidelines, 2015. Collection method: clinical testing. Allele origin: germline.

PreventionGenetics, part of Exact Sciences
Classification: Likely benign for HEPACAM-related condition. Last evaluated: 2019-03-08. Review status: no assertion criteria provided. Collection method: clinical testing. Allele origin: germline. Not counted in ClinVar's aggregate classification.
Comment: This variant is classified as likely benign based on ACMG/AMP sequence variant interpretation guidelines (Richards et al. 2015 PMID: 25741868, with internal and published modifications).

NM_152722.5(HEPACAM):c.138C>T (p.Thr46=)

Gene: HEPACAM (hepatic and glial cell adhesion molecule; minus strand). Cytogenetic location: 11q24.2.
Variant type: single nucleotide variant.
Coding change: c.138C>T on transcript NM_152722.5 (MANE Select); coding-DNA position 138, C replaced by T.
Protein change: p.Thr46=; no amino-acid change (threonine 46 retained).
Molecular consequence: synonymous variant.
Genome position (GRCh38, 1-based): chr11:124,925,017, G>A on the plus strand (C>T on the coding strand, the complement: HEPACAM is on the minus strand). VCF-style: chr11-124925017-G-A. GRCh37 (hg19) VCF-style: chr11-124794913-G-A.
Other names: c.138C>T, p.Thr46= (NM_001411043.1); c.138C>T (NM_152722.4).
Identifiers: ClinVar variation 2049829 (VCV002049829.7), dbSNP rs145571198, ClinGen allele CA6345805.